The following is an entry in ClinVar:

NM_001114753.3(ENG):c.160G>T (p.Val54Leu)

Gene: ENG (endoglin; minus strand). Cytogenetic location: 9q34.11.
Variant type: single nucleotide variant.
Coding change: c.160G>T on transcript NM_001114753.3 (MANE Select); coding-DNA position 160, G replaced by T.
Protein change: p.Val54Leu; replaces valine 54 with leucine.
Molecular consequence: missense variant. On other transcripts: 5 prime UTR variant (1).
Genome position (GRCh38, 1-based): chr9:127,843,153, C>A on the plus strand (G>T on the coding strand, the complement: ENG is on the minus strand). VCF-style: chr9-127843153-C-A. GRCh37 (hg19) VCF-style: chr9-130605432-C-A.
Other names: c.160G>T, p.Val54Leu (NM_000118.4, NM_001406715.1); c.-387G>T (NM_001278138.2); short protein forms V54L.
Identifiers: ClinVar variation 4843443 (VCV004843443.1).

ClinVar aggregate classification (germline): Uncertain significance (1 of 4 stars; one submission).

Conditions:
Cardiovascular phenotype. Identifiers: MedGen CN230736.

Submission:

Ambry Genetics
Classification: Uncertain significance for Cardiovascular phenotype. Last evaluated: 2026-03-12. Review status: criteria provided, single submitter. Criteria: Ambry Variant Classification Scheme 2023. Collection method: clinical testing. Allele origin: germline.
Comment: The p.V54L variant (also known as c.160G>T), located in coding exon 2 of the ENG gene, results from a G to T substitution at nucleotide position 160. The valine at codon 54 is replaced by leucine, an amino acid with highly similar properties. This amino acid position is conserved. In addition, this alteration is predicted to be tolerated by in silico analysis. Based on the available evidence, the clinical significance of this variant remains unclear.